The following is an entry in ClinVar:

ClinVar aggregate classification (germline): Uncertain significance (1 of 4 stars; one submission).

Submission:

Labcorp Genetics (formerly Invitae), Labcorp
Classification: Uncertain significance. Last evaluated: 2022-05-08. Review status: criteria provided, single submitter. Criteria: Invitae Variant Classification Sherloc (09022015). Collection method: clinical testing. Allele origin: germline.
Comment: This sequence change replaces glycine, which is neutral and non-polar, with arginine, which is basic and polar, at codon 521 of the COL7A1 protein (p.Gly521Arg). This variant is not present in population databases (gnomAD no frequency). This variant has not been reported in the literature in individuals affected with COL7A1-related conditions. Advanced modeling of protein sequence and biophysical properties (such as structural, functional, and spatial information, amino acid conservation, physicochemical variation, residue mobility, and thermodynamic stability) performed at Invitae indicates that this missense variant is expected to disrupt COL7A1 protein function. In summary, the available evidence is currently insufficient to determine the role of this variant in disease. Therefore, it has been classified as a Variant of Uncertain Significance.

NM_000094.4(COL7A1):c.1561G>C (p.Gly521Arg)

Gene: COL7A1 (collagen type VII alpha 1 chain; minus strand). Cytogenetic location: 3p21.31.
Variant type: single nucleotide variant.
Coding change: c.1561G>C on transcript NM_000094.4 (MANE Select); coding-DNA position 1561, G replaced by C.
Protein change: p.Gly521Arg; replaces glycine 521 with arginine.
Molecular consequence: missense variant.
Genome position (GRCh38, 1-based): chr3:48,591,539, C>G on the plus strand (G>C on the coding strand, the complement: COL7A1 is on the minus strand). VCF-style: chr3-48591539-C-G. GRCh37 (hg19) VCF-style: chr3-48628972-C-G.
Other names: short protein forms G521R.
Identifiers: ClinVar variation 2135526 (VCV002135526.1), dbSNP rs1383489466, ClinGen allele CA352733112.